The following is an entry in ClinVar:

NM_001164508.2(NEB):c.19759del (p.Thr6587fs)

Gene: NEB (nebulin; minus strand). Cytogenetic location: 2q23.3.
Variant type: Deletion.
Coding change: c.19759del on transcript NM_001164508.2 (MANE Select); coding-DNA position 19759, one base deleted (A; older notation c.19759delA).
Protein change: p.Thr6587fs; shifts the reading frame from threonine 6587.
Molecular consequence: frameshift variant.
Genome position (GRCh38, 1-based): chr2:151,552,749, T deleted on the plus strand (A on the coding strand, the reverse complement: NEB is on the minus strand); the first of 4 consecutive T bases (chr2:151,552,749-151,552,752); deleting any one gives the same sequence. VCF-style (leftmost placement, unchanged base first): chr2-151552748-GT-G. GRCh37 (hg19) VCF-style: chr2-152409262-GT-G.
Other names: c.19759del, p.Thr6587fs (NM_001164507.2, NM_001271208.2); c.19756delA, p.Thr6587Glnfs (NM_001271208.1); c.14656del, p.Thr4886fs (NM_004543.5); short protein forms T4886fs, T6587fs.
Identifiers: ClinVar variation 4814743 (VCV004814743.1).

ClinVar aggregate classification (germline): Likely pathogenic (1 of 4 stars; one submission).

Conditions:
Nemaline myopathy 2 (NEM2). Also called: Nemaline myopathy 2, autosomal recessive. Identifiers: MedGen C1850569, MONDO:0009725, OMIM 256030.

Submission:

Natera, Inc.
Classification: Likely pathogenic for Nemaline myopathy type 2. Last evaluated: 2024-11-23. Review status: criteria provided, single submitter. Criteria: Natera Variant Classification Schema (03/2026). Collection method: clinical testing. Allele origin: germline.
Comment: The c.19759del variant in NEB is a frameshift variant predicted to shift the reading frame beginning at codon 6587 and leads to a stop codon 24 codons downstream. This variant is expected to result in nonsense mediated decay, truncation, or a dysfunctional protein product. This variant is rare in the general population with a frequency below the threshold expected for the associated phenotype(s). Given the available evidence, this variant is classified as Likely Pathogenic.